The following is an entry in ClinVar:

ClinVar aggregate classification (germline): Uncertain significance (1 of 4 stars; one submission).

Conditions:
Early-onset Lafora body disease. Also called: Epilepsy, progressive myoclonic, 10. Identifiers: Orphanet 324290, MedGen C4225258, MONDO:0014717, OMIM 616640.

Submission:

Labcorp Genetics (formerly Invitae), Labcorp
Classification: Uncertain significance for Early-onset Lafora body disease. Last evaluated: 2021-12-02. Review status: criteria provided, single submitter. Criteria: Invitae Variant Classification Sherloc (09022015). Collection method: clinical testing. Allele origin: germline.
Comment: This variant, c.1258_1263dup, results in the insertion of 2 amino acid(s) of the PRDM8 protein (p.Gly420_Gly421dup), but otherwise preserves the integrity of the reading frame. This variant is not present in population databases (gnomAD no frequency). This variant has not been reported in the literature in individuals affected with PRDM8-related conditions. Experimental studies and prediction algorithms are not available or were not evaluated, and the functional significance of this variant is currently unknown. In summary, the available evidence is currently insufficient to determine the role of this variant in disease. Therefore, it has been classified as a Variant of Uncertain Significance.

NM_001099403.2(PRDM8):c.1249GGC[7] (p.Gly420_Gly421dup)

Gene: PRDM8 (PR/SET domain 8; plus strand). Cytogenetic location: 4q21.21.
Variant type: Microsatellite.
Coding change: c.1249GGC[7] on transcript NM_001099403.2 (MANE Select); seven copies in a row of the 3-base unit GGC starting at c.1249; the reference has five copies in a row; two copies, 6 bases duplicated.
Protein change: p.Gly420_Gly421dup.
Molecular consequence: inframe insertion.
Genome position (GRCh38, 1-based): chr4:80,202,720-80,202,725, GGCGGC duplicated; duplicating any 6 consecutive bases within chr4:80,202,711-80,202,725 gives the same sequence; the position shown is the placement nearest the transcript's 3' end. VCF-style (leftmost placement, unchanged base first): chr4-80202710-T-TGGCGGC. GRCh37 (hg19) VCF-style: chr4-81123864-T-TGGCGGC.
Other names: c.1249GGC[7], p.Gly420_Gly421dup (NM_020226.4).
Identifiers: ClinVar variation 1047671 (VCV001047671.6), dbSNP rs1024186691, ClinGen allele CA100000875.